The following is an entry in ClinVar:

ClinVar aggregate classification (germline): Uncertain significance (1 of 4 stars; one submission).

gnomAD v4.1: 2 of 1,614,142 alleles (0.00012%); highest among the groups gnomAD compares: Non-Finnish European, 0.00017%; no homozygotes.

Submission:

Labcorp Genetics (formerly Invitae), Labcorp
Classification: Uncertain significance. Last evaluated: 2024-05-06. Review status: criteria provided, single submitter. Criteria: Invitae Variant Classification Sherloc (09022015). Collection method: clinical testing. Allele origin: germline.
Comment: This sequence change replaces lysine, which is basic and polar, with asparagine, which is neutral and polar, at codon 388 of the ALPK3 protein (p.Lys388Asn). This variant is not present in population databases (gnomAD no frequency). This variant has not been reported in the literature in individuals affected with ALPK3-related conditions. Advanced modeling of protein sequence and biophysical properties (such as structural, functional, and spatial information, amino acid conservation, physicochemical variation, residue mobility, and thermodynamic stability) performed at Invitae indicates that this missense variant is expected to disrupt ALPK3 protein function with a positive predictive value of 80%. In summary, the available evidence is currently insufficient to determine the role of this variant in disease. Therefore, it has been classified as a Variant of Uncertain Significance.

NM_020778.5(ALPK3):c.558G>C (p.Lys186Asn)

Gene: ALPK3 (alpha kinase 3; plus strand). Cytogenetic location: 15q25.3.
Variant type: single nucleotide variant.
Coding change: c.558G>C on transcript NM_020778.5 (MANE Select); coding-DNA position 558, G replaced by C.
Protein change: p.Lys186Asn; replaces lysine 186 with asparagine.
Molecular consequence: missense variant.
Genome position (GRCh38, 1-based): chr15:84,839,837, G>C. VCF-style: chr15-84839837-G-C. GRCh37 (hg19) VCF-style: chr15-85383068-G-C.
Other names: short protein forms K186N.
Identifiers: ClinVar variation 3691153 (VCV003691153.2).